The following is an entry in ClinVar:

ClinVar aggregate classification (germline): Uncertain significance (1 of 4 stars; one submission).

Conditions:
Renal cell carcinoma. Identifiers: Orphanet 217071, MedGen C0007134, MeSH D002292, MONDO:0005086, HP:0005584.

Submission:

Labcorp Genetics (formerly Invitae), Labcorp
Classification: Uncertain significance for Renal cell carcinoma. Last evaluated: 2024-10-30. Review status: criteria provided, single submitter. Criteria: Invitae Variant Classification Sherloc (09022015). Collection method: clinical testing. Allele origin: germline.
Comment: This sequence change replaces aspartic acid, which is acidic and polar, with glutamic acid, which is acidic and polar, at codon 543 of the MET protein (p.Asp543Glu). This variant is not present in population databases (gnomAD no frequency). This variant has not been reported in the literature in individuals affected with MET-related conditions. Invitae Evidence Modeling of protein sequence and biophysical properties (such as structural, functional, and spatial information, amino acid conservation, physicochemical variation, residue mobility, and thermodynamic stability) indicates that this missense variant is not expected to disrupt MET protein function with a negative predictive value of 80%. In summary, the available evidence is currently insufficient to determine the role of this variant in disease. Therefore, it has been classified as a Variant of Uncertain Significance.

NM_000245.4(MET):c.1629C>A (p.Asp543Glu)

Gene: MET (MET proto-oncogene, receptor tyrosine kinase; plus strand). Cytogenetic location: 7q31.2.
Variant type: single nucleotide variant.
Coding change: c.1629C>A on transcript NM_000245.4 (MANE Select); coding-DNA position 1629, C replaced by A.
Protein change: p.Asp543Glu; replaces aspartic acid 543 with glutamic acid.
Molecular consequence: missense variant.
Genome position (GRCh38, 1-based): chr7:116,740,953, C>A. VCF-style: chr7-116740953-C-A. GRCh37 (hg19) VCF-style: chr7-116381007-C-A.
Other names: c.1629C>A, p.Asp543Glu (NM_001127500.3, NM_001324401.3); c.339C>A, p.Asp113Glu (NM_001324402.2); short protein forms D113E, D543E.
Identifiers: ClinVar variation 3665752 (VCV003665752.2).